The following is an entry in ClinVar:

ClinVar aggregate classification (germline): Uncertain significance. Review status: criteria provided, multiple submitters, no conflicts (2 of 4 stars). 2 submissions from 2 submitters: Uncertain significance (2). Last evaluated 2025-06-01.

Conditions:
Hereditary cancer-predisposing syndrome. Also called: Neoplastic Syndromes, Hereditary; Hereditary Cancer Syndrome; Hereditary neoplastic syndrome; Tumor predisposition. Identifiers: Orphanet 140162, MedGen C0027672, MeSH D009386, MONDO:0015356.
Retinoblastoma (RB1). Also called: RETINOBLASTOMA, SOMATIC. Identifiers: Orphanet 790, MedGen C0035335, MeSH D012175, MONDO:0008380, OMIM 180200, HP:0009919. Disease mechanism: loss of function. Inheritance: Both sporadic and heritable forms are tested..

Submissions (2):

Ambry Genetics
Classification: Uncertain significance for Hereditary cancer-predisposing syndrome. Last evaluated: 2025-06-01. Review status: criteria provided, single submitter. Criteria: Ambry Variant Classification Scheme 2023. Collection method: clinical testing. Allele origin: germline.
Comment: The p.D330E variant (also known as c.990T>G), located in coding exon 10 of the RB1 gene, results from a T to G substitution at nucleotide position 990. The aspartic acid at codon 330 is replaced by glutamic acid, an amino acid with highly similar properties. This amino acid position is conserved. In addition, this alteration is predicted to be deleterious by in silico analysis. Since supporting evidence is limited at this time, the clinical significance of this alteration remains unclear.

Labcorp Genetics (formerly Invitae), Labcorp
Classification: Uncertain significance for Retinoblastoma. Last evaluated: 2025-05-01. Review status: criteria provided, single submitter. Criteria: Invitae Variant Classification Sherloc (09022015). Collection method: clinical testing. Allele origin: germline.
Comment: This sequence change replaces aspartic acid, which is acidic and polar, with glutamic acid, which is acidic and polar, at codon 330 of the RB1 protein (p.Asp330Glu). This variant is not present in population databases (gnomAD no frequency). This variant has not been reported in the literature in individuals affected with RB1-related conditions. ClinVar contains an entry for this variant (Variation ID: 2562057). Invitae Evidence Modeling of protein sequence and biophysical properties (such as structural, functional, and spatial information, amino acid conservation, physicochemical variation, residue mobility, and thermodynamic stability) indicates that this missense variant is not expected to disrupt RB1 protein function with a negative predictive value of 80%. In summary, the available evidence is currently insufficient to determine the role of this variant in disease. Therefore, it has been classified as a Variant of Uncertain Significance.

NM_000321.3(RB1):c.990T>G (p.Asp330Glu)

Gene: RB1 (RB transcriptional corepressor 1; plus strand). Cytogenetic location: 13q14.2.
Variant type: single nucleotide variant.
Coding change: c.990T>G on transcript NM_000321.3 (MANE Select); coding-DNA position 990, T replaced by G.
Protein change: p.Asp330Glu; replaces aspartic acid 330 with glutamic acid.
Molecular consequence: missense variant.
Genome position (GRCh38, 1-based): chr13:48,367,544, T>G. VCF-style: chr13-48367544-T-G. GRCh37 (hg19) VCF-style: chr13-48941680-T-G.
Other names: c.990T>G, p.Asp330Glu (NM_001407165.1, NM_001407166.1); short protein forms D330E.
Identifiers: ClinVar variation 2562057 (VCV002562057.4), dbSNP rs2138121244, ClinGen allele CA388160738.